The following is an entry in ClinVar:

ClinVar aggregate classification (germline): Conflicting classifications of pathogenicity. Review status: criteria provided, conflicting classifications (1 of 4 stars). 4 submissions from 4 submitters: Pathogenic (2); Likely pathogenic (1); Uncertain significance (1). Last evaluated 2025-12-21.

Conditions:
Hereditary spastic paraplegia 3A (SPG3A). Also called: SPASTIC PARAPLEGIA 3, AUTOSOMAL DOMINANT; FAMILIAL SPASTIC PARAPLEGIA, AUTOSOMAL DOMINANT, 1; SPG3; STRUMPELL DISEASE; Spastic Paraplegia 3A; Spastic paraplegia 3A, autosomal dominant. Identifiers: Orphanet 100984, MedGen C2931355, MONDO:0008437, OMIM 182600.

Allele frequency attached by ClinVar (database versions not stated): gnomAD exomes below 0.00001 and 0.00001; gnomAD 0.00001; TOPMed 0.00001.

Submissions (4):

Labcorp Genetics (formerly Invitae), Labcorp
Classification: Pathogenic for Hereditary spastic paraplegia 3A. Last evaluated: 2025-12-21. Review status: criteria provided, single submitter. Criteria: Invitae Variant Classification Sherloc (09022015). Collection method: clinical testing. Allele origin: germline.
Comment: This sequence change creates a premature translational stop signal (p.Phe261Tyrfs*23) in the ATL1 gene. It is expected to result in an absent or disrupted protein product. Loss-of-function variants in ATL1 are known to be pathogenic (PMID: 26888483). This variant is present in population databases (no rsID available, gnomAD 0.01%). This variant has not been reported in the literature in individuals affected with ATL1-related conditions. ClinVar contains an entry for this variant (Variation ID: 503888). For these reasons, this variant has been classified as Pathogenic.

Women's Health and Genetics/Laboratory Corporation of America, LabCorp
Classification: Pathogenic for Hereditary spastic paraplegia 3A. Last evaluated: 2023-06-09. Review status: criteria provided, single submitter. Criteria: LabCorp Variant Classification Summary - May 2015. Collection method: clinical testing. Allele origin: germline.
Comment: Variant summary: ATL1 c.781_782insA (p.Phe261TyrfsX23) results in a premature termination codon, predicted to cause a truncation of the encoded protein or absence of the protein due to nonsense mediated decay, which are commonly known mechanisms for disease. The variant allele was found at a frequency of 4e-06 in 251200 control chromosomes. To our knowledge, no occurrence of c.781_782insA in individuals affected with Spastic Paraplegia 3 and no experimental evidence demonstrating its impact on protein function have been reported. Three clinical diagnostic laboratories have submitted clinical-significance assessments for this variant to ClinVar after 2014 and classified as pathogenic (n=1), likely pathogenic (n=1) and VUS (n=1). Based on the evidence outlined above, the variant was classified as pathogenic.

GeneDx
Classification: Uncertain significance. Last evaluated: 2023-03-29. Review status: criteria provided, single submitter. Criteria: GeneDx Variant Classification Process June 2021. Collection method: clinical testing. Allele origin: germline. Affected: yes.
Comment: Frameshift variant predicted to result in protein truncation or nonsense mediated decay in a gene for which loss-of-function is not a known mechanism of disease; Has not been previously published as pathogenic or benign to our knowledge; Not observed at a significant frequency in large population cohorts (gnomAD)

Revvity Omics, Revvity
Classification: Likely pathogenic. Last evaluated: 2022-06-02. Review status: criteria provided, single submitter. Criteria: ACMG Guidelines, 2015. Collection method: clinical testing. Allele origin: germline.

Literature cited by the submitters: PubMed 26888483 (cited by Labcorp Genetics (formerly Invitae), Labcorp).

NM_015915.5(ATL1):c.781_782insA (p.Phe261fs)

Gene: ATL1 (atlastin GTPase 1; plus strand). Cytogenetic location: 14q22.1.
Variant type: Insertion.
Coding change: c.781_782insA on transcript NM_015915.5 (MANE Select); coding-DNA positions 781 to 782, A inserted.
Protein change: p.Phe261fs; shifts the reading frame from phenylalanine 261.
Molecular consequence: frameshift variant.
Genome position: GRCh38 VCF-style: chr14-50614430-T-TA. GRCh37 (hg19) VCF-style: chr14-51081148-T-TA.
Other names: c.781_782insA, p.Phe261fs (NM_001127713.1, NM_181598.4); short protein forms F261fs.
Identifiers: ClinVar variation 503888 (VCV000503888.19), dbSNP rs1181733510, ClinGen allele CA486191399.